The following is an entry in ClinVar:

NM_000256.3(MYBPC3):c.2805C>G (p.Pro935=)

Gene: MYBPC3 (myosin binding protein C3; minus strand). Cytogenetic location: 11p11.2.
Variant type: single nucleotide variant.
Coding change: c.2805C>G on transcript NM_000256.3 (MANE Select); coding-DNA position 2805, C replaced by G.
Protein change: p.Pro935=; no amino-acid change (proline 935 retained).
Molecular consequence: synonymous variant.
Genome position (GRCh38, 1-based): chr11:47,335,142, G>C on the plus strand (C>G on the coding strand, the complement: MYBPC3 is on the minus strand). VCF-style: chr11-47335142-G-C. GRCh37 (hg19) VCF-style: chr11-47356693-G-C.
Identifiers: ClinVar variation 1116235 (VCV001116235.11), dbSNP rs878853833, ClinGen allele CA474213186.
Genomic context (GRCh38, chr11:47,335,142, plus strand): 5'-AGGGGCTCCAGGCCCTGCCATATTGTGTGCCCGCACTCGGAAAAGCAGCCGGGCCCCCGT[G>C]GGCAGGTCCTTCACCAGTATCGATGTGTGCTCTGTCAGCCCCTGCAGGGCAGCCACCCAC-3'
Protein context (NP_000247.2, residues 925-945): EHTSILVKDL[Pro935=]TGARLLFRVR

ClinVar aggregate classification (germline): Likely benign. Review status: criteria provided, multiple submitters, no conflicts (2 of 4 stars). 3 submissions from 3 submitters: Likely benign (3). Last evaluated 2025-04-28.

Conditions:
Cardiomyopathy (CMYO). Also called: Cardiomyopathies. Identifiers: Orphanet 167848, MedGen C0878544, MONDO:0004994, HP:0001638. Inheritance: Various modes of inheritance.
Hypertrophic cardiomyopathy. Also called: HYPERTROPHIC MYOCARDIOPATHY. Identifiers: Orphanet 217569, MedGen C0007194, MeSH D002312, MONDO:0005045, HP:0001639.

Allele frequency attached by ClinVar (database versions not stated): TOPMed below 0.00001.

Submissions (3):

Labcorp Genetics (formerly Invitae), Labcorp
Classification: Likely benign for Hypertrophic cardiomyopathy. Last evaluated: 2025-04-28. Review status: criteria provided, single submitter. Criteria: Invitae Variant Classification Sherloc (09022015). Collection method: clinical testing. Allele origin: germline.

All of Us Research Program, National Institutes of Health
Classification: Likely benign for Hypertrophic cardiomyopathy. Last evaluated: 2023-05-30. Review status: criteria provided, single submitter. Criteria: ACMG Guidelines, 2015. Collection method: clinical testing. Allele origin: germline. Inheritance: Autosomal dominant inheritance. Observed: 1 variant allele, 1 heterozygote.
Comment: This study involves interpretation of variants in research participants for the purpose of population health screening. Participant phenotype was not available at the time of variant classification. Additional details can be found in publication PMID: 35346344, PMCID: PMC8962531

Color Diagnostics, LLC DBA Color Health
Classification: Likely benign for Cardiomyopathy. Last evaluated: 2023-05-17. Review status: criteria provided, single submitter. Criteria: ACMG Guidelines, 2015. Collection method: clinical testing. Allele origin: germline.